The following is an entry in ClinVar:

NM_001110556.2(FLNA):c.7381G>A (p.Ala2461Thr)

Gene: FLNA (filamin A; minus strand). Cytogenetic location: Xq28.
Variant type: single nucleotide variant.
Coding change: c.7381G>A on transcript NM_001110556.2 (MANE Select); coding-DNA position 7381, G replaced by A.
Protein change: p.Ala2461Thr; replaces alanine 2461 with threonine.
Molecular consequence: missense variant.
Genome position (GRCh38, 1-based): chrX:154,349,820, C>T on the plus strand (G>A on the coding strand, the complement: FLNA is on the minus strand). VCF-style: chrX-154349820-C-T. GRCh37 (hg19) VCF-style: chrX-153578188-C-T.
Other names: c.7357G>A, p.Ala2453Thr (NM_001456.4); c.7357G>A (NM_001456.3); short protein forms A2453T, A2461T.
Identifiers: ClinVar variation 2180798 (VCV002180798.5), dbSNP rs1557175387, ClinGen allele CA415182889.
Genomic context (GRCh38, chrX:154,349,820, plus strand): 5'-CAGGGCACTCCTGGCAATCCATCTTCACCTTGGAGGGGCCGTCAATGGTCACCGACAGGG[C>T]ACCAGCTCCCGCATTGCTCGTGTTCACGACGAACTCAGCTGGGTTCCCTGGGAGCACAGG-3'
Protein context (NP_001104026.1, residues 2451-2471): VVNTSNAGAG[Ala2461Thr]LSVTIDGPSK

ClinVar aggregate classification (germline): Uncertain significance. Review status: criteria provided, multiple submitters, no conflicts (2 of 4 stars). 2 submissions from 2 submitters: Uncertain significance (2). Last evaluated 2025-11-27.

Conditions:
Oto-palato-digital syndrome, type II (OPD2). Also called: FACIOPALATOOSSEOUS SYNDROME; OPD II SYNDROME; Otopalatodigital Syndrome, Type II; Otopalatodigital Syndrome Type 2 (FLNA-OPD2). Identifiers: Orphanet 669, Orphanet 90652, MedGen C1844696, MONDO:0010571, OMIM 304120.
Frontometaphyseal dysplasia (FMD1). Identifiers: Orphanet 1826, MedGen C0265293, MONDO:0015942.
Melnick-Needles syndrome (MNS). Also called: MELNICK-NEEDLES OSTEODYSPLASTY; OSTEODYSPLASTY OF MELNICK AND NEEDLES; Melnick-Needles Syndrome (FLNA-MNS). Identifiers: Orphanet 2484, MedGen C0025237, MONDO:0010650, OMIM 309350.
Heterotopia, periventricular, X-linked dominant (PVNH1). Also called: PERIVENTRICULAR NODULAR HETEROTOPIA 4; HETEROTOPIA, PERIVENTRICULAR, 1; PERIVENTRICULAR NODULAR HETEROTOPIA 1; X-linked periventricular heterotopia. Identifiers: Orphanet 2149, Orphanet 82004, MedGen C1848213, MONDO:0010233, OMIM 300049.

Submissions (2):

Labcorp Genetics (formerly Invitae), Labcorp
Classification: Uncertain significance for Oto-palato-digital syndrome, type II; Heterotopia, periventricular, X-linked dominant; Frontometaphyseal dysplasia; Melnick-Needles syndrome. Last evaluated: 2025-11-27. Review status: criteria provided, single submitter. Criteria: Invitae Variant Classification Sherloc (09022015). Collection method: clinical testing. Allele origin: germline.
Comment: This sequence change replaces alanine, which is neutral and non-polar, with threonine, which is neutral and polar, at codon 2453 of the FLNA protein (p.Ala2453Thr). This variant is not present in population databases (gnomAD no frequency). This variant has not been reported in the literature in individuals affected with FLNA-related conditions. ClinVar contains an entry for this variant (Variation ID: 2180798). Invitae Evidence Modeling of protein sequence and biophysical properties (such as structural, functional, and spatial information, amino acid conservation, physicochemical variation, residue mobility, and thermodynamic stability) indicates that this missense variant is not expected to disrupt FLNA protein function with a negative predictive value of 95%. In summary, the available evidence is currently insufficient to determine the role of this variant in disease. Therefore, it has been classified as a Variant of Uncertain Significance.

GeneDx
Classification: Uncertain significance. Last evaluated: 2024-05-01. Review status: criteria provided, single submitter. Criteria: GeneDx Variant Classification Process June 2021. Collection method: clinical testing. Allele origin: germline. Affected: yes.
Comment: Not observed at significant frequency in large population cohorts (gnomAD); In silico analysis indicates that this missense variant does not alter protein structure/function; Has not been previously published as pathogenic or benign to our knowledge